The following is an entry in ClinVar:

NM_032119.4(ADGRV1):c.12632G>A (p.Arg4211Gln)

Gene: ADGRV1 (adhesion G protein-coupled receptor V1; plus strand). Cytogenetic location: 5q14.3.
Variant type: single nucleotide variant.
Coding change: c.12632G>A on transcript NM_032119.4 (MANE Select); coding-DNA position 12632, G replaced by A.
Protein change: p.Arg4211Gln; replaces arginine 4211 with glutamine.
Molecular consequence: missense variant. On other transcripts: non-coding transcript variant (1).
Genome position (GRCh38, 1-based): chr5:90,778,009, G>A. VCF-style: chr5-90778009-G-A. GRCh37 (hg19) VCF-style: chr5-90073826-G-A.
Other names: c.12632G>A (NM_032119.3); short protein forms R4211Q.
Identifiers: ClinVar variation 1369144 (VCV001369144.12), dbSNP rs768374513, ClinGen allele CA3341297.

ClinVar aggregate classification (germline): Conflicting classifications of pathogenicity. Review status: criteria provided, conflicting classifications (1 of 4 stars). 3 submissions from 3 submitters: Uncertain significance (2); Likely benign (1). Last evaluated 2026-09-08.

Conditions:
Inborn genetic diseases. Identifiers: MedGen C0950123, MeSH D030342.

gnomAD v4.1: 6 of 1,589,708 alleles (0.00038%); highest among the groups gnomAD compares: South Asian, 0.0023%; no homozygotes.

Submissions (3):

GeneDx
Classification: Uncertain significance. Last evaluated: 2026-09-08. Review status: criteria provided, single submitter. Criteria: GeneDx Variant Classification Process June 2021. Collection method: clinical testing. Allele origin: germline.
Comment: In silico analysis suggests that this missense variant does not alter protein structure/function; Has not been previously published as pathogenic or benign to our knowledge

Labcorp Genetics (formerly Invitae), Labcorp
Classification: Likely benign. Last evaluated: 2026-01-19. Review status: criteria provided, single submitter. Criteria: Invitae Variant Classification Sherloc (09022015). Collection method: clinical testing. Allele origin: germline.

Ambry Genetics
Classification: Uncertain significance for Inborn genetic diseases. Last evaluated: 2025-08-30. Review status: criteria provided, single submitter. Criteria: Ambry Variant Classification Scheme 2023. Collection method: clinical testing. Allele origin: germline.